The following is an entry in ClinVar:

ClinVar aggregate classification (germline): Uncertain significance (1 of 4 stars; one submission).

Conditions:
Susceptibility to respiratory infections associated with CD8alpha chain mutation (IMD116). Also called: IMMUNODEFICIENCY 116; Cd8 deficiency, familial. Identifiers: Orphanet 169085, MedGen C1837065, MONDO:0012161, OMIM 608957.

Allele frequency attached by ClinVar (database versions not stated): TOPMed 0.00002.
gnomAD v4.1: 12 of 1,612,720 alleles (0.00074%); highest among the groups gnomAD compares: African/African-American, 0.0027%; no homozygotes.

Submission:

Labcorp Genetics (formerly Invitae), Labcorp
Classification: Uncertain significance for Susceptibility to respiratory infections associated with CD8alpha chain mutation. Last evaluated: 2021-08-30. Review status: criteria provided, single submitter. Criteria: Invitae Variant Classification Sherloc (09022015). Collection method: clinical testing. Allele origin: germline.
Comment: This sequence change replaces arginine with glycine at codon 219 of the CD8A protein (p.Arg219Gly). The arginine residue is highly conserved and there is a moderate physicochemical difference between arginine and glycine. This variant is not present in population databases (ExAC no frequency). This variant has not been reported in the literature in individuals affected with CD8A-related conditions. Algorithms developed to predict the effect of missense changes on protein structure and function (SIFT, PolyPhen-2, Align-GVGD) all suggest that this variant is likely to be disruptive. In summary, the available evidence is currently insufficient to determine the role of this variant in disease. Therefore, it has been classified as a Variant of Uncertain Significance.

NM_001768.7(CD8A):c.655C>G (p.Arg219Gly)

Genes: CD8A (CD8 subunit alpha; minus strand), LOC106699567 (CD8A intronic regulatory region; plus strand). Cytogenetic location: 2p11.2.
Variant type: single nucleotide variant.
Coding change: c.655C>G on transcript NM_001768.7 (MANE Select); coding-DNA position 655, C replaced by G.
Protein change: p.Arg219Gly; replaces arginine 219 with glycine.
Molecular consequence: missense variant. On other transcripts: non-coding transcript variant (4).
Genome position (GRCh38, 1-based): chr2:86,788,531, G>C on the plus strand (C>G on the coding strand, the complement: CD8A is on the minus strand). VCF-style: chr2-86788531-G-C. GRCh37 (hg19) VCF-style: chr2-87015654-G-C.
Other names: c.655C>G, p.Arg219Gly (NM_001145873.1, NM_001382698.1); c.544C>G, p.Arg182Gly (NM_171827.4); short protein forms R182G, R219G.
Identifiers: ClinVar variation 969224 (VCV000969224.7), dbSNP rs770405273, ClinGen allele CA347575879.